The following is an entry in ClinVar:

ClinVar aggregate classification (germline): Likely pathogenic (1 of 4 stars; one submission).

Conditions:
Glycogen storage disease IXb (GSD9B). Also called: PHOSPHORYLASE KINASE DEFICIENCY OF LIVER AND MUSCLE, AUTOSOMAL RECESSIVE; GLYCOGENOSIS OF LIVER AND MUSCLE, AUTOSOMAL RECESSIVE; GSD IXb. Identifiers: Orphanet 79240, MedGen C0543514, MONDO:0009868, OMIM 261750.

Allele frequency attached by ClinVar (database versions not stated): TOPMed 0.00001.
gnomAD v4.1: 2 of 1,580,690 alleles (0.00013%); highest among the groups gnomAD compares: African/African-American, 0.0013%; no homozygotes.

Submission:

Labcorp Genetics (formerly Invitae), Labcorp
Classification: Likely pathogenic for Glycogen storage disease IXb. Last evaluated: 2023-08-09. Review status: criteria provided, single submitter. Criteria: Invitae Variant Classification Sherloc (09022015). Collection method: clinical testing. Allele origin: germline.
Comment: Algorithms developed to predict the effect of sequence changes on RNA splicing suggest that this variant may disrupt the consensus splice site. This sequence change affects an acceptor splice site in intron 1 of the PHKB gene. It is expected to disrupt RNA splicing. Variants that disrupt the donor or acceptor splice site typically lead to a loss of protein function (PMID: 16199547), and loss-of-function variants in PHKB are known to be pathogenic (PMID: 9215682, 9326319). This variant is not present in population databases (gnomAD no frequency). Disruption of this splice site has been observed in individual(s) with clinical features of glycogen storage disease (PMID: 28870985, 34136918). This variant is also known as c.56-1G>A. In summary, the currently available evidence indicates that the variant is pathogenic, but additional data are needed to prove that conclusively. Therefore, this variant has been classified as Likely Pathogenic.

Literature cited by the submitters: PubMed 16199547; PubMed 9215682; PubMed 9326319; PubMed 28870985; PubMed 34136918.

NM_000293.3(PHKB):c.77-1G>A

Gene: PHKB (phosphorylase kinase regulatory subunit beta; plus strand). Cytogenetic location: 16q12.1.
Variant type: single nucleotide variant.
Coding change: c.77-1G>A on transcript NM_000293.3 (MANE Select); the canonical splice acceptor site of the intron before coding-DNA position 77, G replaced by A.
Molecular consequence: splice acceptor variant.
Genome position (GRCh38, 1-based): chr16:47,497,398, G>A. VCF-style: chr16-47497398-G-A. GRCh37 (hg19) VCF-style: chr16-47531309-G-A.
Other names: c.77-1G>A (NM_001363837.1); c.56-1G>A (NM_001031835.3).
Identifiers: ClinVar variation 2902677 (VCV002902677.3), dbSNP rs780885921, ClinGen allele CA396097143.